The following is an entry in ClinVar:

ClinVar aggregate classification (germline): Likely pathogenic (1 of 4 stars; one submission).

Conditions:
Gaucher disease. Also called: Acute cerebral Gaucher disease; Cerebroside lipidosis syndrome; Gaucher splenomegaly; Sphingolipidosis 1; Glucocerebrosidosis; Glucosylceramidase deficiency. Identifiers: Orphanet 355, MedGen C0017205, MONDO:0018150.

Submission:

Natera, Inc.
Classification: Likely pathogenic for Gaucher disease. Last evaluated: 2024-12-19. Review status: criteria provided, single submitter. Criteria: Natera Variant Classification Schema (03/2026). Collection method: clinical testing. Allele origin: germline.
Comment: The c.1504C>A variant in GBA1 is a missense variant predicted to cause substitution of arginine to serine at amino acid 502. This variant is rare in the general population with a frequency below the threshold expected for the associated phenotype(s). This variant has been observed in one or more individuals affected with the associated recessive disease, as either homozygous or compound heterozygous with a second variant (PMID: 37249220, 20729110). A different variant at the same position has been determined to be Pathogenic or Likely Pathogenic. Computational prediction algorithms indicate this variant is likely to affect gene or protein function. Given the available evidence, this variant is classified as Likely Pathogenic.

Literature cited by the submitters: PubMed 37249220; PubMed 20729110.

NM_000157.4(GBA1):c.1504C>A (p.Arg502Ser)

Genes: GBA1 (glucosylceramidase beta 1; minus strand), LOC106627981 (GBA recombination region; plus strand). Cytogenetic location: 1q22.
Variant type: single nucleotide variant.
Coding change: c.1504C>A on transcript NM_000157.4 (MANE Select); coding-DNA position 1504, C replaced by A.
Protein change: p.Arg502Ser; replaces arginine 502 with serine.
Molecular consequence: missense variant.
Genome position (GRCh38, 1-based): chr1:155,235,196, G>T on the plus strand (C>A on the coding strand, the complement: GBA1 is on the minus strand). VCF-style: chr1-155235196-G-T. GRCh37 (hg19) VCF-style: chr1-155204987-G-T.
Other names: c.1504C>A, p.Arg502Ser (NM_001005741.3, NM_001005742.3); c.1243C>A, p.Arg415Ser (NM_001171811.2); c.1357C>A, p.Arg453Ser (NM_001171812.2); short protein forms R415S, R453S, R502S.
Identifiers: ClinVar variation 4817731 (VCV004817731.1).
Genomic context (GRCh38, chr1:155,235,196, plus strand): 5'-CTGCCAAGGCCCCCAACGCTGTCTTCAGCCCACTTCCCAGACCTCACCATTGCCCTCACC[G>T]GTTTAGCACGACCACAACAGCAGAGCCATCGGGATGCATCAGTGCCACTGCGTCCAGGTC-3'
Protein context (NP_000148.2, residues 492-512): DGSAVVVVLN[Arg502Ser]SSKDVPLTIK